The following is an entry in ClinVar:

ClinVar aggregate classification (germline): Uncertain significance (1 of 4 stars; one submission).

gnomAD v4.1: 7 of 1,613,666 alleles (0.00043%); highest among the groups gnomAD compares: East Asian, 0.016%; no homozygotes.

Submission:

Ambry Genetics
Classification: Uncertain significance. Last evaluated: 2024-07-28. Review status: criteria provided, single submitter. Criteria: Ambry Variant Classification Scheme 2023. Collection method: clinical testing. Allele origin: germline.
Comment: The p.T2035I variant (also known as c.6104C>T), located in coding exon 46 of the PRKDC gene, results from a C to T substitution at nucleotide position 6104. The threonine at codon 2035 is replaced by isoleucine, an amino acid with similar properties. This amino acid position is conserved. Based on the available evidence, the clinical significance of this variant remains unclear.

NM_006904.7(PRKDC):c.6104C>T (p.Thr2035Ile)

Gene: PRKDC (protein kinase, DNA-activated, catalytic subunit; minus strand). Cytogenetic location: 8q11.21.
Variant type: single nucleotide variant.
Coding change: c.6104C>T on transcript NM_006904.7 (MANE Select); coding-DNA position 6104, C replaced by T.
Protein change: p.Thr2035Ile; replaces threonine 2035 with isoleucine.
Molecular consequence: missense variant.
Genome position (GRCh38, 1-based): chr8:47,859,714, G>A on the plus strand (C>T on the coding strand, the complement: PRKDC is on the minus strand). VCF-style: chr8-47859714-G-A. GRCh37 (hg19) VCF-style: chr8-48772275-G-A.
Other names: c.6104C>T, p.Thr2035Ile (NM_001081640.2); short protein forms T2035I.
Identifiers: ClinVar variation 3425230 (VCV003425230.1).